The following is an entry in ClinVar:

NM_020242.3(KIF15):c.1767G>C (p.Leu589=)

Gene: KIF15 (kinesin family member 15; plus strand). Cytogenetic location: 3p21.31.
Variant type: single nucleotide variant.
Coding change: c.1767G>C on transcript NM_020242.3 (MANE Select); coding-DNA position 1767, G replaced by C.
Protein change: p.Leu589=; no amino-acid change (leucine 589 retained).
Molecular consequence: synonymous variant.
Genome position (GRCh38, 1-based): chr3:44,805,106, G>C. VCF-style: chr3-44805106-G-C. GRCh37 (hg19) VCF-style: chr3-44846598-G-C.
Identifiers: ClinVar variation 3025072 (VCV003025072.22), dbSNP rs749806165, ClinGen allele CA2346151.
Genomic context (GRCh38, chr3:44,805,106, plus strand): 5'-TAAAGCTCAGAAAGAGCCATGTTTGTTTGCAAACACTGAGAAGTTAAAAGCACAACTCCT[G>C]CAAATTCAGACAGAGCTGAATAATTCAAAGCAAGAATATGAAGAATTCAAAGAACTTACT-3'
Protein context (NP_064627.1, residues 579-599): ANTEKLKAQL[Leu589=]QIQTELNNSK

ClinVar aggregate classification (germline): Likely benign (1 of 4 stars; one submission).

Allele frequency attached by ClinVar (database versions not stated): ExAC 0.00002; TOPMed 0.00003; gnomAD 0.00005.
gnomAD v4.1: 84 of 1,613,708 alleles (0.0052%); highest among the groups gnomAD compares: Non-Finnish European, 0.007%; no homozygotes.

Submission:

CeGaT Center for Human Genetics Tuebingen
Classification: Likely benign. Last evaluated: 2023-12-01. Review status: criteria provided, single submitter. Criteria: CeGaT Center For Human Genetics Tuebingen Variant Classification Criteria Version 2. Collection method: clinical testing. Allele origin: germline. Affected: yes. Observed: 1 variant allele.
Comment: KIF15: BP4, BP7